The following is an entry in ClinVar:

ClinVar aggregate classification (germline): Uncertain significance (1 of 4 stars; one submission).

Conditions:
Cardiovascular phenotype. Identifiers: MedGen CN230736.

Submission:

Ambry Genetics
Classification: Uncertain significance for Cardiovascular phenotype. Last evaluated: 2025-11-16. Review status: criteria provided, single submitter. Criteria: Ambry Variant Classification Scheme 2023. Collection method: clinical testing. Allele origin: germline.
Comment: The p.A135E variant (also known as c.404C>A), located in coding exon 2 of the NKX2-5 gene, results from a C to A substitution at nucleotide position 404. The alanine at codon 135 is replaced by glutamic acid, an amino acid with dissimilar properties. This amino acid position is conserved. In addition, the in silico prediction for this alteration is inconclusive. Based on the available evidence, the clinical significance of this variant remains unclear.

NM_004387.4(NKX2-5):c.404C>A (p.Ala135Glu)

Gene: NKX2-5 (NK2 homeobox 5; minus strand). Cytogenetic location: 5q35.1.
Variant type: single nucleotide variant.
Coding change: c.404C>A on transcript NM_004387.4 (MANE Select); coding-DNA position 404, C replaced by A.
Protein change: p.Ala135Glu; replaces alanine 135 with glutamic acid.
Molecular consequence: missense variant. On other transcripts: 3 prime UTR variant (2).
Genome position (GRCh38, 1-based): chr5:173,233,140, G>T on the plus strand (C>A on the coding strand, the complement: NKX2-5 is on the minus strand). VCF-style: chr5-173233140-G-T. GRCh37 (hg19) VCF-style: chr5-172660143-G-T.
Other names: c.*357C>A (NM_001166175.2); c.*203C>A (NM_001166176.2); short protein forms A135E.
Identifiers: ClinVar variation 4614699 (VCV004614699.1).